The following is an entry in ClinVar:

ClinVar aggregate classification (germline): Pathogenic/Likely pathogenic. Review status: criteria provided, multiple submitters, no conflicts (2 of 4 stars). 2 submissions from 2 submitters: Pathogenic (1); Likely pathogenic (1). Last evaluated 2023-11-24.

Conditions:
ADGRV1-related disorder. Also called: ADGRV1-related disorders; ADGRV1-related condition.

Allele frequency attached by ClinVar (database versions not stated): gnomAD exomes below 0.00001; TOPMed below 0.00001; gnomAD 0.00001.

Submissions (2):

Labcorp Genetics (formerly Invitae), Labcorp
Classification: Pathogenic. Last evaluated: 2023-11-24. Review status: criteria provided, single submitter. Criteria: Invitae Variant Classification Sherloc (09022015). Collection method: clinical testing. Allele origin: germline.
Comment: This sequence change creates a premature translational stop signal (p.Gly2615Glnfs*18) in the ADGRV1 gene. It is expected to result in an absent or disrupted protein product. Loss-of-function variants in ADGRV1 are known to be pathogenic (PMID: 19357117, 22135276, 22147658, 26226137, 30718709, 31047384, 32467589). This variant is not present in population databases (gnomAD no frequency). This premature translational stop signal has been observed in individual(s) with ADGRV1-related conditions (PMID: 32279305). For these reasons, this variant has been classified as Pathogenic.

Blueprint Genetics
Classification: Likely pathogenic for ADGRV1-related disorders. Last evaluated: 2021-05-04. Review status: criteria provided, single submitter. Criteria: ACMG Guidelines, 2015. Collection method: clinical testing. Allele origin: germline. Affected: yes. Observed: 1 variant allele.

Literature cited by the submitters: PubMed 19357117 (cited by Labcorp Genetics (formerly Invitae), Labcorp); PubMed 22135276 (cited by Labcorp Genetics (formerly Invitae), Labcorp); PubMed 22147658 (cited by Labcorp Genetics (formerly Invitae), Labcorp); PubMed 26226137 (cited by Labcorp Genetics (formerly Invitae), Labcorp); PubMed 30718709 (cited by Labcorp Genetics (formerly Invitae), Labcorp); PubMed 31047384 (cited by Labcorp Genetics (formerly Invitae), Labcorp); PubMed 32467589 (cited by Labcorp Genetics (formerly Invitae), Labcorp); PubMed 32279305 (cited by Labcorp Genetics (formerly Invitae), Labcorp).

NM_032119.4(ADGRV1):c.7839_7840del (p.Gly2615fs)

Gene: ADGRV1 (adhesion G protein-coupled receptor V1; plus strand). Cytogenetic location: 5q14.3.
Variant type: Deletion.
Coding change: c.7839_7840del on transcript NM_032119.4 (MANE Select); coding-DNA positions 7839 to 7840, 2 bases deleted (AG; older notation c.7839_7840delAG).
Protein change: p.Gly2615fs; shifts the reading frame from glycine 2615.
Molecular consequence: frameshift variant. On other transcripts: non-coding transcript variant (1).
Genome position (GRCh38, 1-based): chr5:90,694,595-90,694,596, AG deleted. VCF-style (leftmost placement, unchanged base first): chr5-90694594-CAG-C. GRCh37 (hg19) VCF-style: chr5-89990411-CAG-C.
Other names: short protein forms G2615fs.
Identifiers: ClinVar variation 2982248 (VCV002982248.4), dbSNP rs1484421868, ClinGen allele CA815376911.